The following is an entry in ClinVar:

ClinVar aggregate classification (germline): Uncertain significance. Review status: criteria provided, multiple submitters, no conflicts (2 of 4 stars). 4 submissions from 4 submitters: Uncertain significance (4). Last evaluated 2026-09-11.

Conditions:
Cardiomyopathy (CMYO). Also called: Cardiomyopathies. Identifiers: Orphanet 167848, MedGen C0878544, MONDO:0004994, HP:0001638. Inheritance: Various modes of inheritance.
Arrhythmogenic cardiomyopathy with wooly hair and keratoderma. Also called: PALMOPLANTAR KERATODERMA WITH LEFT VENTRICULAR CARDIOMYOPATHY AND WOOLLY HAIR; Dilated cardiomyopathy with woolly hair and keratoderma; Arrhythmogenic cardiomyopathy with woolly hair and keratoderma; Carvajal syndrome. Identifiers: Orphanet 65282, MedGen C1854063, MONDO:0011581, OMIM 605676.
Arrhythmogenic right ventricular dysplasia 8 (ARVD8). Also called: Arrhythmogenic Right Ventricular Dysplasia/Cardiomyopathy 8; ARRHYTHMOGENIC RIGHT VENTRICULAR DYSPLASIA, FAMILIAL, 8; ARRHYTHMOGENIC RIGHT VENTRICULAR CARDIOMYOPATHY 8. Identifiers: MedGen C1843896, MONDO:0011831, OMIM 607450.
Cardiovascular phenotype. Identifiers: MedGen CN230736.

Allele frequency attached by ClinVar (database versions not stated): TOPMed below 0.00001.
gnomAD v4.1: 10 of 1,614,126 alleles (0.00062%); highest among the groups gnomAD compares: Non-Finnish European, 0.00085%; no homozygotes.

Submissions (4):

Ambry Genetics
Classification: Uncertain significance for Cardiovascular phenotype. Last evaluated: 2026-09-11. Review status: criteria provided, single submitter. Criteria: Ambry Variant Classification Scheme 2023. Collection method: clinical testing. Allele origin: germline.
Comment: The p.L2613V variant (also known as c.7837C>G), located in coding exon 24 of the DSP gene, results from a C to G substitution at nucleotide position 7837. The leucine at codon 2613 is replaced by valine, an amino acid with highly similar properties. This amino acid position is conserved. In addition, this alteration is predicted to be tolerated by in silico analysis. Based on the available evidence, the clinical significance of this variant remains unclear.

Labcorp Genetics (formerly Invitae), Labcorp
Classification: Uncertain significance for Arrhythmogenic cardiomyopathy with wooly hair and keratoderma; Arrhythmogenic right ventricular dysplasia 8. Last evaluated: 2026-01-21. Review status: criteria provided, single submitter. Criteria: Invitae Variant Classification Sherloc (09022015). Collection method: clinical testing. Allele origin: germline.
Comment: This sequence change replaces leucine, which is neutral and non-polar, with valine, which is neutral and non-polar, at codon 2613 of the DSP protein (p.Leu2613Val). This variant is not present in population databases (gnomAD no frequency). This variant has not been reported in the literature in individuals affected with DSP-related conditions. ClinVar contains an entry for this variant (Variation ID: 924886). An algorithm developed to predict the effect of missense changes on protein structure and function (PolyPhen-2) suggests that this variant is likely to be tolerated. In summary, the available evidence is currently insufficient to determine the role of this variant in disease. Therefore, it has been classified as a Variant of Uncertain Significance.

Color Diagnostics, LLC DBA Color Health
Classification: Uncertain significance for Cardiomyopathy. Last evaluated: 2024-03-06. Review status: criteria provided, single submitter. Criteria: ACMG Guidelines, 2015. Collection method: clinical testing. Allele origin: germline.
Comment: This missense variant replaces leucine with valine at codon 2613 of the DSP protein. Computational prediction suggests that this variant may not impact protein structure and function (internally defined REVEL score threshold <= 0.5, PMID: 27666373). To our knowledge, functional studies have not been reported for this variant. This variant has not been reported in individuals affected with DSP-related disorders in the literature. This variant has not been identified in the general population by the Genome Aggregation Database (gnomAD). The available evidence is insufficient to determine the role of this variant in disease conclusively. Therefore, this variant is classified as a Variant of Uncertain Significance.

All of Us Research Program, National Institutes of Health
Classification: Uncertain significance for Arrhythmogenic cardiomyopathy with wooly hair and keratoderma. Last evaluated: 2023-12-07. Review status: criteria provided, single submitter. Criteria: ACMG Guidelines, 2015. Collection method: clinical testing. Allele origin: germline. Inheritance: Autosomal dominant inheritance. Observed: 5 variant alleles, 5 heterozygotes.
Comment: This missense variant replaces leucine with valine at codon 2613 of the DSP protein. Computational prediction suggests that this variant may not impact protein structure and function (internally defined REVEL score threshold <= 0.5, PMID: 27666373). To our knowledge, functional studies have not been reported for this variant. This variant has not been reported in individuals affected with DSP-related disorders in the literature. This variant has not been identified in the general population by the Genome Aggregation Database (gnomAD). The available evidence is insufficient to determine the role of this variant in disease conclusively. Therefore, this variant is classified as a Variant of Uncertain Significance.

This study involves interpretation of variants in research participants for the purpose of population health screening. Participant phenotype was not available at the time of variant classification. Additional details can be found in publication PMID: 35346344, PMCID: PMC8962531

NM_004415.4(DSP):c.7837C>G (p.Leu2613Val)

Gene: DSP (desmoplakin; plus strand). Cytogenetic location: 6p24.3.
Variant type: single nucleotide variant.
Coding change: c.7837C>G on transcript NM_004415.4 (MANE Select); coding-DNA position 7837, C replaced by G.
Protein change: p.Leu2613Val; replaces leucine 2613 with valine.
Molecular consequence: missense variant.
Genome position (GRCh38, 1-based): chr6:7,585,099, C>G. VCF-style: chr6-7585099-C-G. GRCh37 (hg19) VCF-style: chr6-7585332-C-G.
Other names: c.6040C>G, p.Leu2014Val (NM_001008844.3); c.6508C>G, p.Leu2170Val (NM_001319034.2); short protein forms L2014V, L2613V, L2170V.
Identifiers: ClinVar variation 924886 (VCV000924886.16), dbSNP rs1286275087, ClinGen allele CA362693886.